The following is an entry in ClinVar:

NM_006269.2(RP1):c.5770A>G (p.Ile1924Val)

Genes: RP1 (RP1 axonemal microtubule associated; plus strand), LOC126860392 (CDK7 strongly-dependent group 2 enhancer GRCh37_chr8:55541319-55542518; plus strand). Cytogenetic location: 8q12.1.
Variant type: single nucleotide variant.
Coding change: c.5770A>G on transcript NM_006269.2 (MANE Select); coding-DNA position 5770, A replaced by G.
Protein change: p.Ile1924Val; replaces isoleucine 1924 with valine.
Molecular consequence: missense variant. On other transcripts: intron variant (1).
Genome position (GRCh38, 1-based): chr8:54,629,652, A>G. VCF-style: chr8-54629652-A-G. GRCh37 (hg19) VCF-style: chr8-55542212-A-G.
Other names: c.787+7364A>G (NM_001375654.1); short protein forms I1924V.
Identifiers: ClinVar variation 1379878 (VCV001379878.6), dbSNP rs2129318381, ClinGen allele CA370987850.

ClinVar aggregate classification (germline): Uncertain significance (1 of 4 stars; one submission).

Allele frequency attached by ClinVar (database versions not stated): gnomAD exomes below 0.00001.
gnomAD v4.1: 5 of 1,613,988 alleles (0.00031%); highest among the groups gnomAD compares: Admixed American, 0.005%; no homozygotes.

Submission:

Labcorp Genetics (formerly Invitae), Labcorp
Classification: Uncertain significance. Last evaluated: 2026-01-26. Review status: criteria provided, single submitter. Criteria: Invitae Variant Classification Sherloc (09022015). Collection method: clinical testing. Allele origin: germline.
Comment: This sequence change replaces isoleucine, which is neutral and non-polar, with valine, which is neutral and non-polar, at codon 1924 of the RP1 protein (p.Ile1924Val). This variant is not present in population databases (gnomAD no frequency). This variant has not been reported in the literature in individuals affected with RP1-related conditions. ClinVar contains an entry for this variant (Variation ID: 1379878). An algorithm developed to predict the effect of missense changes on protein structure and function outputs the following: PolyPhen-2: "Benign". The valine amino acid residue is found in multiple mammalian species, which suggests that this missense change does not adversely affect protein function. In summary, the available evidence is currently insufficient to determine the role of this variant in disease. Therefore, it has been classified as a Variant of Uncertain Significance.